The following is an entry in ClinVar:

ClinVar aggregate classification (germline): Uncertain significance. Review status: criteria provided, multiple submitters, no conflicts (2 of 4 stars). 2 submissions from 2 submitters: Uncertain significance (2). Last evaluated 2025-05-07.

Conditions:
Hajdu-Cheney syndrome (HJCYS). Also called: ACROOSTEOLYSIS WITH OSTEOPOROSIS AND CHANGES IN SKULL AND MANDIBLE; Acroosteolysis dominant type; SERPENTINE FIBULA-POLYCYSTIC KIDNEY SYNDROME. Identifiers: Orphanet 955, MedGen C0917715, MONDO:0007057, OMIM 102500.
Alagille syndrome due to a NOTCH2 point mutation. Also called: Alagille syndrome 2. Identifiers: Orphanet 261629, Orphanet 52, MedGen C1857761, MONDO:0012439, OMIM 610205.

gnomAD v4.1: 6 of 1,614,204 alleles (0.00037%); highest among the groups gnomAD compares: Non-Finnish European, 0.00051%; no homozygotes.

Submissions (2):

Labcorp Genetics (formerly Invitae), Labcorp
Classification: Uncertain significance for Hajdu-Cheney syndrome. Last evaluated: 2025-05-07. Review status: criteria provided, single submitter. Criteria: Invitae Variant Classification Sherloc (09022015). Collection method: clinical testing. Allele origin: germline.
Comment: This sequence change replaces alanine, which is neutral and non-polar, with valine, which is neutral and non-polar, at codon 1797 of the NOTCH2 protein (p.Ala1797Val). This variant is present in population databases (rs770932767, gnomAD 0.002%). This variant has not been reported in the literature in individuals affected with NOTCH2-related conditions. ClinVar contains an entry for this variant (Variation ID: 3583599). Invitae Evidence Modeling of protein sequence and biophysical properties (such as structural, functional, and spatial information, amino acid conservation, physicochemical variation, residue mobility, and thermodynamic stability) has been performed for this missense variant. However, the output from this modeling did not meet the statistical confidence thresholds required to predict the impact of this variant on NOTCH2 protein function. In summary, the available evidence is currently insufficient to determine the role of this variant in disease. Therefore, it has been classified as a Variant of Uncertain Significance.

Fulgent Genetics
Classification: Uncertain significance for Hajdu-Cheney syndrome; Alagille syndrome due to a NOTCH2 point mutation. Last evaluated: 2024-06-18. Review status: criteria provided, single submitter. Criteria: ACMG Guidelines, 2015. Collection method: clinical testing. Allele origin: germline.

NM_024408.4(NOTCH2):c.5390C>T (p.Ala1797Val)

Gene: NOTCH2 (notch receptor 2; minus strand). Cytogenetic location: 1p12.
Variant type: single nucleotide variant.
Coding change: c.5390C>T on transcript NM_024408.4 (MANE Select); coding-DNA position 5390, C replaced by T.
Protein change: p.Ala1797Val; replaces alanine 1797 with valine.
Molecular consequence: missense variant.
Genome position (GRCh38, 1-based): chr1:119,920,318, G>A on the plus strand (C>T on the coding strand, the complement: NOTCH2 is on the minus strand). VCF-style: chr1-119920318-G-A. GRCh37 (hg19) VCF-style: chr1-120462941-G-A.
Other names: short protein forms A1797V.
Identifiers: ClinVar variation 3583599 (VCV003583599.3).
Genomic context (GRCh38, chr1:119,920,318, plus strand): 5'-TCCACCTCCTGCTCTGCCTGAGGAGGGGTGAGAGCCAGCGATGGTGTCCTACGGATGTCT[G>A]CAGCTTCAAGGTGCTGCTGTGTCCATGGCCGTCGATCAATGGGGTCATCTTCTTCTGAGA-3'
Protein context (NP_077719.2, residues 1787-1807): RPWTQQHLEA[Ala1797Val]DIRRTPSLAL